The following is an entry in ClinVar:

ClinVar aggregate classification (germline): Benign. Review status: criteria provided, multiple submitters, no conflicts (2 of 4 stars). 4 submissions from 4 submitters: Benign (3). 1 of the submissions does not count toward it. Last evaluated 2025-02-14.

Conditions:
TENM4-related disorder. Also called: TENM4-related condition.

Allele frequency attached by ClinVar (database versions not stated): 1000 Genomes Project 0.02097; 1000 Genomes Project 30x 0.02311; gnomAD 0.02326 and 0.02512; TOPMed 0.02657; gnomAD exomes 0.00234 and 0.00613; ExAC 0.00725; ESP Exome Variant Server 0.02542.
gnomAD v4.1: 7,137 of 1,613,930 alleles (0.44%); highest among the groups gnomAD compares: African/African-American, 8.1%; 233 homozygotes.

Submissions (4):

Mayo Clinic Laboratories, Mayo Clinic
Classification: Benign. Last evaluated: 2025-02-14. Review status: criteria provided, single submitter. Criteria: ACMG Guidelines, 2015. Collection method: clinical testing. Allele origin: germline. Observed: 4 variant alleles.

Labcorp Genetics (formerly Invitae), Labcorp
Classification: Benign. Last evaluated: 2019-12-31. Review status: criteria provided, single submitter. Criteria: Invitae Variant Classification Sherloc (09022015). Collection method: clinical testing. Allele origin: germline.

Breakthrough Genomics
Classification: Benign. Review status: criteria provided, single submitter. Criteria: ACMG Guidelines, 2015. Collection method: not provided. Allele origin: germline. Inheritance: Autosomal dominant inheritance. Affected: yes.

PreventionGenetics, part of Exact Sciences
Classification: Benign for TENM4-related condition. Last evaluated: 2019-07-15. Review status: no assertion criteria provided. Collection method: clinical testing. Allele origin: germline. Not counted in ClinVar's aggregate classification.
Comment: This variant is classified as benign based on ACMG/AMP sequence variant interpretation guidelines (Richards et al. 2015 PMID: 25741868, with internal and published modifications).

NM_001098816.3(TENM4):c.6114A>G (p.Ala2038=)

Gene: TENM4 (teneurin transmembrane protein 4; minus strand). Cytogenetic location: 11q14.1.
Variant type: single nucleotide variant.
Coding change: c.6114A>G on transcript NM_001098816.3 (MANE Select); coding-DNA position 6114, A replaced by G.
Protein change: p.Ala2038=; no amino-acid change (alanine 2038 retained).
Molecular consequence: synonymous variant.
Genome position (GRCh38, 1-based): chr11:78,670,231, T>C on the plus strand (A>G on the coding strand, the complement: TENM4 is on the minus strand). VCF-style: chr11-78670231-T-C. GRCh37 (hg19) VCF-style: chr11-78381276-T-C.
Other names: p.Ala2038=.
Identifiers: ClinVar variation 779309 (VCV000779309.8), dbSNP rs61742000, ClinGen allele CA6206472.
Genomic context (GRCh38, chr11:78,670,231, plus strand): 5'-ACGGTAGCGGATGGTGCAGGTGAAGCCCTCATTCTGTAGGTTGATGGTCTTCAGCATGCC[T>C]GCCGTCTCGTCATAGGTGAAACTGACCTTGGTGGTGTCATAGAGCGTCTCTGCCAGCTTT-3'
Protein context (NP_001092286.2, residues 2028-2048): TKVSFTYDET[Ala2038=]GMLKTINLQN